The following is an entry in ClinVar:

ClinVar aggregate classification (germline): Uncertain significance. Review status: criteria provided, multiple submitters, no conflicts (2 of 4 stars). 10 submissions from 10 submitters: Uncertain significance (9). 1 of the submissions does not count toward it. Last evaluated 2025-11-27.

Conditions:
CHEK2-related cancer predisposition (TPDS4). Also called: CHEK2-related cancer susceptibility; TUMOR PREDISPOSITION SYNDROME 4; CANCER PREDISPOSITION SYNDROME, CHEK2-RELATED. Identifiers: Orphanet 524, MedGen C5882668, MONDO:0700271, OMIM 609265.
Prostate cancer. Also called: Malignant tumor of prostate. Identifiers: Orphanet 1331, MedGen C0376358, MONDO:0008315, HP:0012125.
Bone osteosarcoma. Also called: Osteosarcoma, somatic. Identifiers: Orphanet 668, MedGen C0585442, MONDO:0002629, OMIM 259500.
Familial cancer of breast. Also called: hereditary breast carcinoma; BREAST CANCER, FAMILIAL; Hereditary breast cancer. Identifiers: Orphanet 227535, MedGen C0346153, MONDO:0016419, OMIM 114480. Disease mechanism: loss of function.
Hereditary cancer-predisposing syndrome. Also called: Tumor predisposition; Neoplastic Syndromes, Hereditary; Hereditary Cancer Syndrome; Hereditary neoplastic syndrome. Identifiers: Orphanet 140162, MedGen C0027672, MeSH D009386, MONDO:0015356.

Allele frequency attached by ClinVar (database versions not stated): gnomAD 0.00001; TOPMed 0.00001; ExAC 0.00001.
gnomAD v4.1: 5 of 1,613,856 alleles (0.00031%); highest among the groups gnomAD compares: Non-Finnish European, 0.00042%; no homozygotes.

Submissions (10):

Labcorp Genetics (formerly Invitae), Labcorp
Classification: Uncertain significance for Familial cancer of breast. Last evaluated: 2025-11-27. Review status: criteria provided, single submitter. Criteria: Invitae Variant Classification Sherloc (09022015). Collection method: clinical testing. Allele origin: germline.
Comment: This sequence change replaces serine, which is neutral and polar, with phenylalanine, which is neutral and non-polar, at codon 57 of the CHEK2 protein (p.Ser57Phe). This variant is present in population databases (rs730881695, gnomAD 0.0009%). This missense change has been observed in individual(s) with colorectal cancer (PMID: 28709830, 34326862). ClinVar contains an entry for this variant (Variation ID: 182445). An algorithm developed to predict the effect of missense changes on protein structure and function (PolyPhen-2) suggests that this variant is likely to be disruptive. Experimental studies have shown that this missense change does not substantially affect CHEK2 function (PMID: 30851065, 37449874). In summary, the available evidence is currently insufficient to determine the role of this variant in disease. Therefore, it has been classified as a Variant of Uncertain Significance.

Color Diagnostics, LLC DBA Color Health
Classification: Uncertain significance for Hereditary cancer-predisposing syndrome. Last evaluated: 2025-04-09. Review status: criteria provided, single submitter. Criteria: ACMG Guidelines, 2015. Collection method: clinical testing. Allele origin: germline.
Comment: This missense variant replaces serine with phenylalanine at codon 57 of the CHEK2 protein. Computational prediction suggests that this variant may not impact protein structure and function. A functional study in yeast has shown this variant to be benign (PMID: 30851065). This variant has been reported in an individual affected with breast cancer, who also carried a pathogenic RAD51C variant (PMID: 28709830). This variant has been identified in 1/251454 chromosomes in the general population by the Genome Aggregation Database (gnomAD). The available evidence is insufficient to determine the role of this variant in disease conclusively. Therefore, this variant is classified as a Variant of Uncertain Significance.

Baylor Genetics
Classification: Uncertain significance for Familial cancer of breast. Last evaluated: 2024-02-05. Review status: criteria provided, single submitter. Criteria: ACMG Guidelines, 2015. Collection method: clinical testing. Allele origin: unknown.

Ambry Genetics
Classification: Uncertain significance for Hereditary cancer-predisposing syndrome. Last evaluated: 2024-01-09. Review status: criteria provided, single submitter. Criteria: Ambry Variant Classification Scheme 2023. Collection method: clinical testing. Allele origin: germline.
Comment: The p.S57F variant (also known as c.170C>T), located in coding exon 1 of the CHEK2 gene, results from a C to T substitution at nucleotide position 170. The serine at codon 57 is replaced by phenylalanine, an amino acid with highly dissimilar properties. This alteration was detected in conjunction with a pathogenic RAD51C mutation in an individual with early-onset breast cancer (Schoolmeester JK et al. Hum. Pathol., 2017 12;70:14-26). This alteration was also detected in an individual diagnosed with pancreatic cancer (Cremin C et al. Cancer Med, 2020 06;9:4004-4013). This alteration behaved as functional in an in vivo, yeast-based growth rate assay (Delimitsou A et al. Hum Mutat, 2019 05;40:631-648). This alteration was also reported as functional in a study assessing CHEK2-complementation through quantification of KAP1 phosphorylation and CHK2 autophosphorylation in human RPE1-CHEK2-knockout cells (Stolarova L et al. Clin Cancer Res, 2023 Aug;29:3037-3050). This amino acid position is highly conserved in available vertebrate species. In addition, the in silico prediction for this alteration is inconclusive. Since supporting evidence is limited at this time, the clinical significance of this alteration remains unclear.

CeGaT Center for Human Genetics Tuebingen
Classification: Uncertain significance. Last evaluated: 2023-09-01. Review status: criteria provided, single submitter. Criteria: CeGaT Center For Human Genetics Tuebingen Variant Classification Criteria Version 2. Collection method: clinical testing. Allele origin: germline. Affected: yes. Observed: 1 variant allele.
Comment: CHEK2: PM2, BS3:Supporting

Myriad Genetics, Inc.
Classification: Uncertain significance for Familial cancer of breast. Last evaluated: 2023-03-08. Review status: criteria provided, single submitter. Criteria: Myriad Autosomal Dominant, Autosomal Recessive and X-Linked Classification Criteria (2023). Collection method: clinical testing. Allele origin: unknown.
Comment: This variant is classified as a variant of uncertain significance as there is insufficient evidence to determine its impact on protein function and/or cancer risk.

GeneDx
Classification: Uncertain significance. Last evaluated: 2023-03-02. Review status: criteria provided, single submitter. Criteria: GeneDx Variant Classification Process June 2021. Collection method: clinical testing. Allele origin: germline. Affected: yes.
Comment: Not observed at significant frequency in large population cohorts (gnomAD); In silico analysis supports that this missense variant has a deleterious effect on protein structure/function; Observed in individuals with breast or pancreatic cancer (Schoolmeester et al., 2017; Cremin et al., 2020); Published functional studies demonstrate no damaging effect: growth similar to wild type after DNA damage (Delimitsou et al., 2019); This variant is associated with the following publications: (PMID: 22114986, 11733767, 32255556, 28709830, 30851065)

Women's Health and Genetics/Laboratory Corporation of America, LabCorp
Classification: Uncertain significance. Last evaluated: 2019-04-25. Review status: criteria provided, single submitter. Criteria: LabCorp Variant Classification Summary - May 2015. Collection method: clinical testing. Allele origin: germline.
Comment: Variant summary: CHEK2 c.170C>T (p.Ser57Phe) results in a non-conservative amino acid change in the encoded protein sequence. Five of five in-silico tools predict a damaging effect of the variant on protein function. The variant allele was found at a frequency of 4e-06 in 251454 control chromosomes (gnomAD). The available data on variant occurrences in the general population are insufficient to allow any conclusion about variant significance. The variant, c.170C>T has been reported in the literature in an individual affected with breast cancer. This patient also carried a RAD51C exon 6 deletion (Schoolmeester_2017). This report however, does not provide unequivocal conclusions about association of the variant with Hereditary Breast and Ovarian Cancer. In a yeast functional assay, this variant was found to be benign (Delimitsou_2019). However, this evidence does not allow convincing conclusions about the variant effect. Five ClinVar submissions from clinical diagnostic laboratories (evaluation after 2014) cites the variant as uncertain significance. Based on the evidence outlined above, the variant was classified as VUS - possibly benign.

Fulgent Genetics
Classification: Uncertain significance for Familial cancer of breast; Familial prostate cancer; Bone osteosarcoma; CHEK2-related cancer predisposition. Last evaluated: 2017-05-23. Review status: criteria provided, single submitter. Criteria: ACMG Guidelines, 2015. Collection method: clinical testing. Allele origin: unknown.

Counsyl
Classification: Uncertain significance for Familial cancer of breast. Last evaluated: 2017-10-16. Review status: no assertion criteria provided. Collection method: clinical testing. Allele origin: unknown. Not counted in ClinVar's aggregate classification.

Literature cited by the submitters: PubMed 28709830 (cited by 4 submitters); PubMed 34326862 (cited by Labcorp Genetics (formerly Invitae), Labcorp); PubMed 30851065 (cited by 4 submitters); PubMed 37449874 (cited by Labcorp Genetics (formerly Invitae), Labcorp and Ambry Genetics); PubMed 32255556 (cited by Ambry Genetics).

NM_007194.4(CHEK2):c.170C>T (p.Ser57Phe)

Gene: CHEK2 (checkpoint kinase 2; minus strand). Cytogenetic location: 22q12.1.
Variant type: single nucleotide variant.
Coding change: c.170C>T on transcript NM_007194.4 (MANE Select); coding-DNA position 170, C replaced by T.
Protein change: p.Ser57Phe; replaces serine 57 with phenylalanine.
Molecular consequence: missense variant.
Genome position (GRCh38, 1-based): chr22:28,734,552, G>A on the plus strand (C>T on the coding strand, the complement: CHEK2 is on the minus strand). VCF-style: chr22-28734552-G-A. GRCh37 (hg19) VCF-style: chr22-29130540-G-A.
Other names: p.S57F:TCT>TTT; c.170C>T, p.Ser57Phe (NM_001005735.3, NM_001349956.3, NM_145862.3); c.-608C>T (NM_001257387.3); short protein forms S57F.
Identifiers: ClinVar variation 182445 (VCV000182445.49), dbSNP rs730881695, ClinGen allele CA299101.